The following is an entry in ClinVar:

ClinVar aggregate classification (germline): Uncertain significance. Review status: criteria provided, multiple submitters, no conflicts (2 of 4 stars). 2 submissions from 2 submitters: Uncertain significance (2). Last evaluated 2025-05-30.

Conditions:
Hereditary cancer-predisposing syndrome. Also called: Neoplastic Syndromes, Hereditary; Tumor predisposition; Hereditary neoplastic syndrome; Hereditary Cancer Syndrome. Identifiers: Orphanet 140162, MedGen C0027672, MeSH D009386, MONDO:0015356.
Familial adenomatous polyposis 1 (FAP1). Also called: POLYPOSIS, ADENOMATOUS INTESTINAL; FAMILIAL ADENOMATOUS POLYPOSIS 1, ATTENUATED. Identifiers: MedGen C2713442, MONDO:0021056, OMIM 175100. Disease mechanism: loss of function.

Submissions (2):

Labcorp Genetics (formerly Invitae), Labcorp
Classification: Uncertain significance for Familial adenomatous polyposis 1. Last evaluated: 2025-05-30. Review status: criteria provided, single submitter. Criteria: Invitae Variant Classification Sherloc (09022015). Collection method: clinical testing. Allele origin: germline.
Comment: This sequence change replaces serine, which is neutral and polar, with leucine, which is neutral and non-polar, at codon 2441 of the APC protein (p.Ser2441Leu). This variant is not present in population databases (gnomAD no frequency). This variant has not been reported in the literature in individuals affected with APC-related conditions. ClinVar contains an entry for this variant (Variation ID: 826968). Invitae Evidence Modeling of protein sequence and biophysical properties (such as structural, functional, and spatial information, amino acid conservation, physicochemical variation, residue mobility, and thermodynamic stability) indicates that this missense variant is not expected to disrupt APC protein function with a negative predictive value of 95%. In summary, the available evidence is currently insufficient to determine the role of this variant in disease. Therefore, it has been classified as a Variant of Uncertain Significance.

Ambry Genetics
Classification: Uncertain significance for Hereditary cancer-predisposing syndrome. Last evaluated: 2018-01-04. Review status: criteria provided, single submitter. Criteria: Ambry Variant Classification Scheme 2023. Collection method: clinical testing. Allele origin: germline.
Comment: The p.S2441L variant (also known as c.7322C>T), located in coding exon 15 of the APC gene, results from a C to T substitution at nucleotide position 7322. The serine at codon 2441 is replaced by leucine, an amino acid with dissimilar properties. This amino acid position is highly conserved in available vertebrate species. In addition, in silico predictors for this gene do not accurately predict pathogenicity. Since supporting evidence is limited at this time, the clinical significance of this alteration remains unclear.

NM_000038.6(APC):c.7322C>T (p.Ser2441Leu)

Gene: APC (APC regulator of Wnt signaling pathway; plus strand). Cytogenetic location: 5q22.2.
Variant type: single nucleotide variant.
Coding change: c.7322C>T on transcript NM_000038.6 (MANE Select); coding-DNA position 7322, C replaced by T.
Protein change: p.Ser2441Leu; replaces serine 2441 with leucine.
Molecular consequence: missense variant.
Genome position (GRCh38, 1-based): chr5:112,842,916, C>T. VCF-style: chr5-112842916-C-T. GRCh37 (hg19) VCF-style: chr5-112178613-C-T.
Other names: c.7322C>T, p.Ser2441Leu (NM_001127510.3, NM_001354895.2); c.7268C>T, p.Ser2423Leu (NM_001127511.3); c.7376C>T, p.Ser2459Leu (NM_001354896.2); c.7352C>T, p.Ser2451Leu (NM_001354897.2); c.7247C>T, p.Ser2416Leu (NM_001354898.2); c.7238C>T, p.Ser2413Leu (NM_001354899.2); c.7199C>T, p.Ser2400Leu (NM_001354900.2); c.7145C>T, p.Ser2382Leu (NM_001354901.2); and 5 more; short protein forms S2416L, S2281L, S2340L, S2400L, S2441L, S2459L, S2315L, S2382L.
Identifiers: ClinVar variation 826968 (VCV000826968.5), dbSNP rs1580681210, ClinGen allele CA16037278.
Genomic context (GRCh38, chr5:112,842,916, plus strand): 5'-CAACTAAATCAAGTGGAAGTGAATCTGATAGATCAGAAAGACCTGTATTAGTACGCCAGT[C>T]AACTTTCATCAAAGAAGCTCCAAGCCCAACCTTAAGAAGAAAATTGGAGGAATCTGCTTC-3'
Protein context (NP_000029.2, residues 2431-2451): RSERPVLVRQ[Ser2441Leu]TFIKEAPSPT